The following is an entry in ClinVar:

ClinVar aggregate classification (germline): Pathogenic (1 of 4 stars; one submission).

Submission:

Labcorp Genetics (formerly Invitae), Labcorp
Classification: Pathogenic. Last evaluated: 2023-03-28. Review status: criteria provided, single submitter. Criteria: Invitae Variant Classification Sherloc (09022015). Collection method: clinical testing. Allele origin: germline.
Comment: For these reasons, this variant has been classified as Pathogenic. Algorithms developed to predict the effect of sequence changes on RNA splicing suggest that this variant may create or strengthen a splice site. This variant has not been reported in the literature in individuals affected with EYS-related conditions. This variant is not present in population databases (gnomAD no frequency). This sequence change creates a premature translational stop signal (p.Lys969Asnfs*8) in the EYS gene. It is expected to result in an absent or disrupted protein product. Loss-of-function variants in EYS are known to be pathogenic (PMID: 18836446, 20333770).

Literature cited by the submitters: PubMed 18836446; PubMed 20333770.

NM_001142800.2(EYS):c.2907del (p.Lys969fs)

Gene: EYS (EGF-like photoreceptor maintenance factor; minus strand). Cytogenetic location: 6q12.
Variant type: Deletion.
Coding change: c.2907del on transcript NM_001142800.2 (MANE Select); coding-DNA position 2907, one base deleted (A; older notation c.2907delA).
Protein change: p.Lys969fs; shifts the reading frame from lysine 969.
Molecular consequence: frameshift variant.
Genome position (GRCh38, 1-based): chr6:64,886,782, T deleted on the plus strand (A on the coding strand, the reverse complement: EYS is on the minus strand); the first of 3 consecutive T bases (chr6:64,886,782-64,886,784); deleting any one gives the same sequence. VCF-style (leftmost placement, unchanged base first): chr6-64886781-AT-A. GRCh37 (hg19) VCF-style: chr6-65596674-AT-A.
Other names: c.2907del, p.Lys969fs (NM_001292009.2); short protein forms K969fs.
Identifiers: ClinVar variation 2850518 (VCV002850518.3), dbSNP rs2533321384, ClinGen allele CA2739273177.
Genomic context (GRCh38, chr6:64,886,781, plus strand): 5'-AGTTGTATCCATCAGTCCTGTAGACACAATTTTCTTCATCTAGACAAGGTGAGATTTTAC[AT>A]TTATTTACATCAAGTTCACAGAAGGGCCCATGGTACTCAGGTTCACAATTACAAAAAAAT-3'